The following is an entry in ClinVar:

ClinVar aggregate classification (germline): Uncertain significance. Review status: criteria provided, multiple submitters, no conflicts (2 of 4 stars). 2 submissions from 2 submitters: Uncertain significance (2). Last evaluated 2025-05-29.

Conditions:
Inborn genetic diseases. Identifiers: MedGen C0950123, MeSH D030342.

Allele frequency attached by ClinVar (database versions not stated): gnomAD 0.00001; gnomAD exomes 0.00001; TOPMed 0.00001; ExAC 0.00002.
gnomAD v4.1: 7 of 1,614,000 alleles (0.00043%); highest among the groups gnomAD compares: South Asian, 0.0055%; no homozygotes.

Submissions (2):

Ambry Genetics
Classification: Uncertain significance for Inborn genetic diseases. Last evaluated: 2025-05-29. Review status: criteria provided, single submitter. Criteria: Ambry Variant Classification Scheme 2023. Collection method: clinical testing. Allele origin: germline.

Labcorp Genetics (formerly Invitae), Labcorp
Classification: Uncertain significance. Last evaluated: 2022-09-13. Review status: criteria provided, single submitter. Criteria: Invitae Variant Classification Sherloc (09022015). Collection method: clinical testing. Allele origin: germline.
Comment: In summary, the available evidence is currently insufficient to determine the role of this variant in disease. Therefore, it has been classified as a Variant of Uncertain Significance. Advanced modeling of protein sequence and biophysical properties (such as structural, functional, and spatial information, amino acid conservation, physicochemical variation, residue mobility, and thermodynamic stability) performed at Invitae indicates that this missense variant is not expected to disrupt FAM161A protein function. This variant has not been reported in the literature in individuals affected with FAM161A-related conditions. This variant is present in population databases (rs772180075, gnomAD 0.006%). This sequence change replaces proline, which is neutral and non-polar, with leucine, which is neutral and non-polar, at codon 412 of the FAM161A protein (p.Pro412Leu).

NM_001201543.2(FAM161A):c.1235C>T (p.Pro412Leu)

Gene: FAM161A (FAM161 centrosomal protein A; minus strand). Cytogenetic location: 2p15.
Variant type: single nucleotide variant.
Coding change: c.1235C>T on transcript NM_001201543.2 (MANE Select); coding-DNA position 1235, C replaced by T.
Protein change: p.Pro412Leu; replaces proline 412 with leucine.
Molecular consequence: missense variant. On other transcripts: non-coding transcript variant (1).
Genome position (GRCh38, 1-based): chr2:61,839,769, G>A on the plus strand (C>T on the coding strand, the complement: FAM161A is on the minus strand). VCF-style: chr2-61839769-G-A. GRCh37 (hg19) VCF-style: chr2-62066904-G-A.
Other names: c.1235C>T, p.Pro412Leu (NM_032180.3); c.1235C>T (NM_001201543.1); short protein forms P412L.
Identifiers: ClinVar variation 2168934 (VCV002168934.5), dbSNP rs772180075, ClinGen allele CA1679184.